The following is an entry in ClinVar:

GRCh37/hg19 17p13.3(chr17:526-2687966)x3

Genes: DPH1 (diphthamide biosynthesis 1; plus strand), ABR (ABR activator of RhoGEF and GTPase; minus strand), BHLHA9 (basic helix-loop-helix family member a9; plus strand), CLUH (CLUH binding protein of NUMT mRNA; minus strand), CRK (CRK proto-oncogene, adaptor protein; minus strand) and 39 more. Cytogenetic location: 17p13.3.
Variant type: copy number gain.
Change: copy number 3 (three copies instead of two) of chr17:526-2,687,966 (2.69 Mb, GRCh37 coordinates, 1-based), cytogenetic band 17p13.3.
Identifiers: ClinVar variation 2684825 (VCV002684825.1).

ClinVar aggregate classification (germline): Pathogenic (1 of 4 stars; one submission).

Submission:

Quest Diagnostics Nichols Institute San Juan Capistrano
Classification: Pathogenic. Last evaluated: 2023-03-01. Review status: criteria provided, single submitter. Criteria: ACMG/ClinGen CNV Guidelines, 2019. Collection method: clinical testing. Allele origin: unknown.
Comment: This copy number gain is consistent with the region defined for 17p13.3 duplication syndrome (OMIM 613215) and includes proposed critical genes PAFAH1B1 (OMIM 601545) and YWHAE (OMIM 605066). Additionally, microduplications and triplications involving BHLHA9 (OMIM 615416) have been described in multiple patients (SHFLD3; OMIM 612576; Carter 2017; Duan 2022, Flottmann 2018, Klopocki 2012), with reduced penetrance and variable expressivity (Armour 2011, Duan 2022, Klopocki 2012, Nagata 2014, Petit 2014, Armour 2011). There are no similar copy number gains spanning this region in the general populations of the Database of Genomic Variants. Thus, this copy number variant (CNV) is interpreted as pathogenic. References: Armour et al., Eur J Hum Genet. 2011 Nov;19(11):1144-51. PMID: 21629300 Carter et al., J Hum Genet. 2017 Oct;62(10):877-884. PMID: 28539665 Curry Et al., Am J Med Genet A. 2013 Aug; 161A(8):1833-52. PMID: 23813913 Duan et al., HGG Adv. 2022 Aug 4;3(4):100132. PMID: 36035248 Flottmann et al., Genet Med. 2018 Jun;20(6):599-607. PMID: 29236091 Klopocki et al., J Med Genet. 2012 Feb;49(2):119-25. PMID: 22147889 Nagata et al., Orphanet J Rare Dis. 2014 Oct 21;9:125. PMID: 25351291 Petit et al., Clin Genet. 2014 May;85(5):464-9. PMID: 23790188